The following is an entry in ClinVar:

NM_033028.5(BBS4):c.587+4A>G

Gene: BBS4 (Bardet-Biedl syndrome 4; plus strand). Cytogenetic location: 15q24.1.
Variant type: single nucleotide variant.
Coding change: c.587+4A>G on transcript NM_033028.5 (MANE Select); 4 bases into the intron after coding-DNA position 587, A replaced by G.
Molecular consequence: intron variant.
Genome position (GRCh38, 1-based): chr15:72,724,659, A>G. VCF-style: chr15-72724659-A-G. GRCh37 (hg19) VCF-style: chr15-73017000-A-G.
Other names: c.587+4A>G (NM_001320665.2); c.71+4A>G (NM_001252678.2).
Identifiers: ClinVar variation 4997305 (VCV004997305.1).

ClinVar aggregate classification (germline): Uncertain significance (1 of 4 stars; one submission).

Conditions:
BBS4-related disorder. Also called: BBS4-related condition.

Submission:

PreventionGenetics, part of Exact Sciences
Classification: Uncertain significance for BBS4-related condition. Last evaluated: 2024-11-17. Review status: criteria provided, single submitter. Criteria: ACMG Guidelines, 2015. Collection method: clinical testing. Allele origin: germline.
Comment: The BBS4 c.587+4A>G variant is predicted to interfere with splicing. This variant is predicted to impact splicing based on splicing prediction programs (SpliceAI, Jaganathan et al. 2019. PubMed ID: 30661751). To our knowledge, this variant has not been reported in the literature or in a large population database (gnomAD), indicating this variant is rare. At this time, the clinical significance of this variant is uncertain due to the absence of conclusive functional and genetic evidence.